The following is an entry in ClinVar:

ClinVar aggregate classification (germline): Uncertain significance (1 of 4 stars; one submission).

Allele frequency attached by ClinVar (database versions not stated): gnomAD exomes below 0.00001; ExAC 0.00002.
gnomAD v4.1: 1 of 1,614,152 alleles (0.000062%); highest among the groups gnomAD compares: Non-Finnish European, 0.000085%; no homozygotes.

Submission:

Ambry Genetics
Classification: Uncertain significance. Last evaluated: 2021-09-08. Review status: criteria provided, single submitter. Criteria: Ambry Variant Classification Scheme 2023. Collection method: clinical testing. Allele origin: germline.
Comment: The p.N486K variant (also known as c.1458C>A), located in coding exon 3 of the ALPK2 gene, results from a C to A substitution at nucleotide position 1458. The asparagine at codon 486 is replaced by lysine, an amino acid with similar properties. This amino acid position is conserved. In addition, this alteration is predicted to be tolerated by in silico analysis. Since supporting evidence is limited at this time, the clinical significance of this alteration remains unclear.

NM_052947.4(ALPK2):c.1458C>A (p.Asn486Lys)

Gene: ALPK2 (alpha kinase 2; minus strand). Cytogenetic location: 18q21.31.
Variant type: single nucleotide variant.
Coding change: c.1458C>A on transcript NM_052947.4 (MANE Select); coding-DNA position 1458, C replaced by A.
Protein change: p.Asn486Lys; replaces asparagine 486 with lysine.
Molecular consequence: missense variant.
Genome position (GRCh38, 1-based): chr18:58,579,318, G>T on the plus strand (C>A on the coding strand, the complement: ALPK2 is on the minus strand). VCF-style: chr18-58579318-G-T. GRCh37 (hg19) VCF-style: chr18-56246550-G-T.
Other names: short protein forms N486K.
Identifiers: ClinVar variation 1773082 (VCV001773082.2), dbSNP rs749194982, ClinGen allele CA8977252.